The following is an entry in ClinVar:

NM_002529.4(NTRK1):c.1025G>A (p.Arg342Gln)

Gene: NTRK1 (neurotrophic receptor tyrosine kinase 1; plus strand). Cytogenetic location: 1q23.1.
Variant type: single nucleotide variant.
Coding change: c.1025G>A on transcript NM_002529.4 (MANE Select); coding-DNA position 1025, G replaced by A.
Protein change: p.Arg342Gln; replaces arginine 342 with glutamine.
Molecular consequence: missense variant.
Genome position (GRCh38, 1-based): chr1:156,873,807, G>A. VCF-style: chr1-156873807-G-A. GRCh37 (hg19) VCF-style: chr1-156843599-G-A.
Other names: c.935G>A, p.Arg312Gln (NM_001007792.1); c.1025G>A, p.Arg342Gln (NM_001012331.2); short protein forms R312Q, R342Q.
Identifiers: ClinVar variation 663987 (VCV000663987.9), dbSNP rs770090356, ClinGen allele CA1169172.

ClinVar aggregate classification (germline): Uncertain significance. Review status: criteria provided, single submitter (1 of 4 stars). 2 submissions from 2 submitters: Uncertain significance (1). 1 of the submissions does not count toward it. Last evaluated 2021-08-31.

Conditions:
Hereditary insensitivity to pain with anhidrosis (CIPA). Also called: NTRK1 Congenital Insensitivity to Pain with Anhidrosis; INSENSITIVITY TO PAIN, CONGENITAL, WITH ANHIDROSIS; HSAN Type IV; hereditary sensory and autonomic neuropathy type 4; FAMILIAL DYSAUTONOMIA, TYPE II; NEUROPATHY, CONGENITAL SENSORY, WITH ANHIDROSIS. Identifiers: Orphanet 642, MedGen C0020074, MONDO:0009746, OMIM 256800.

Allele frequency attached by ClinVar (database versions not stated): gnomAD 0.00001; gnomAD exomes 0.00001; TOPMed 0.00001; ExAC 0.00002.
gnomAD v4.1: 9 of 1,612,872 alleles (0.00056%); highest among the groups gnomAD compares: South Asian, 0.0033%; 1 homozygote.

Submissions (2):

Labcorp Genetics (formerly Invitae), Labcorp
Classification: Uncertain significance for Hereditary insensitivity to pain with anhidrosis. Last evaluated: 2021-08-31. Review status: criteria provided, single submitter. Criteria: Invitae Variant Classification Sherloc (09022015). Collection method: clinical testing. Allele origin: germline.
Comment: This sequence change replaces arginine with glutamine at codon 342 of the NTRK1 protein (p.Arg342Gln). The arginine residue is moderately conserved and there is a small physicochemical difference between arginine and glutamine. The frequency data for this variant in the population databases is considered unreliable, as metrics indicate poor data quality at this position in the ExAC database. This variant has not been reported in the literature in individuals affected with NTRK1-related conditions. Algorithms developed to predict the effect of missense changes on protein structure and function (SIFT, PolyPhen-2, Align-GVGD) all suggest that this variant is likely to be tolerated. In summary, the available evidence is currently insufficient to determine the role of this variant in disease. Therefore, it has been classified as a Variant of Uncertain Significance.

Natera, Inc.
Classification: Uncertain significance for Hereditary insensitivity to pain with anhidrosis. Last evaluated: 2020-12-15. Review status: no assertion criteria provided. Collection method: clinical testing. Allele origin: germline. Not counted in ClinVar's aggregate classification.